The following is an entry in ClinVar:

NM_182961.4(SYNE1):c.15661A>G (p.Lys5221Glu)

Gene: SYNE1 (spectrin repeat containing nuclear envelope protein 1; minus strand). Cytogenetic location: 6q25.2.
Variant type: single nucleotide variant.
Coding change: c.15661A>G on transcript NM_182961.4 (MANE Select); coding-DNA position 15661, A replaced by G.
Protein change: p.Lys5221Glu; replaces lysine 5221 with glutamic acid.
Molecular consequence: missense variant.
Genome position (GRCh38, 1-based): chr6:152,323,734, T>C on the plus strand (A>G on the coding strand, the complement: SYNE1 is on the minus strand). VCF-style: chr6-152323734-T-C. GRCh37 (hg19) VCF-style: chr6-152644869-T-C.
Other names: c.15448A>G, p.Lys5150Glu (NM_033071.5); short protein forms K5150E, K5221E.
Identifiers: ClinVar variation 471001 (VCV000471001.6), dbSNP rs764500952, ClinGen allele CA4055717.

ClinVar aggregate classification (germline): Uncertain significance. Review status: criteria provided, multiple submitters, no conflicts (2 of 4 stars). 2 submissions from 2 submitters: Uncertain significance (2). Last evaluated 2021-10-11.

Conditions:
Emery-Dreifuss muscular dystrophy 4, autosomal dominant (EDMD4). Also called: EMERY-DREIFUSS MUSCULAR DYSTROPHY 4 WITH VARIABLE FEATURES. Identifiers: Orphanet 261, MedGen C2751807, MONDO:0013071, OMIM 612998.
Autosomal recessive ataxia, Beauce type. Also called: SYNE1-Related Autosomal Recessive Cerebellar Ataxia; Spinocerebellar ataxia, autosomal recessive 8; ATAXIA, RECESSIVE, OF BEAUCE; SYNE1 Deficiency. Identifiers: Orphanet 88644, MedGen C1853116, MONDO:0012549, OMIM 610743.

Allele frequency attached by ClinVar (database versions not stated): TOPMed 0.00001; gnomAD exomes below 0.00001 and 0.00001; ExAC 0.00001; gnomAD 0.00001.
gnomAD v4.1: 4 of 1,614,094 alleles (0.00025%); highest among the groups gnomAD compares: Non-Finnish European, 0.00034%; no homozygotes.

Submissions (2):

Labcorp Genetics (formerly Invitae), Labcorp
Classification: Uncertain significance for Emery-Dreifuss muscular dystrophy 4, autosomal dominant; Autosomal recessive ataxia, Beauce type. Last evaluated: 2021-10-11. Review status: criteria provided, single submitter. Criteria: Invitae Variant Classification Sherloc (09022015). Collection method: clinical testing. Allele origin: germline.
Comment: This sequence change replaces lysine with glutamic acid at codon 5150 of the SYNE1 protein (p.Lys5150Glu). The lysine residue is moderately conserved and there is a small physicochemical difference between lysine and glutamic acid. This variant is present in population databases (rs764500952, ExAC 0.002%). This variant has not been reported in the literature in individuals affected with SYNE1-related conditions. Algorithms developed to predict the effect of missense changes on protein structure and function are either unavailable or do not agree on the potential impact of this missense change (SIFT: "Deleterious"; PolyPhen-2: "Benign"; Align-GVGD: "Class C0"). In summary, the available evidence is currently insufficient to determine the role of this variant in disease. Therefore, it has been classified as a Variant of Uncertain Significance.

Revvity Omics, Revvity
Classification: Uncertain significance. Last evaluated: 2019-07-11. Review status: criteria provided, single submitter. Criteria: ACMG Guidelines, 2015. Collection method: clinical testing. Allele origin: germline.